The following is an entry in ClinVar:

NM_016219.5(MAN1B1):c.455_464del (p.Ile152fs)

Gene: MAN1B1 (mannosidase alpha class 1B member 1; plus strand). Cytogenetic location: 9q34.3.
Variant type: Deletion.
Coding change: c.455_464del on transcript NM_016219.5 (MANE Select); coding-DNA positions 455 to 464, 10 bases deleted (TTTCGTCACA; older notation c.455_464delTTTCGTCACA).
Protein change: p.Ile152fs; shifts the reading frame from isoleucine 152.
Molecular consequence: frameshift variant. On other transcripts: non-coding transcript variant (2).
Genome position (GRCh38, 1-based): chr9:137,088,995-137,089,004, TTTCGTCACA deleted; deleting any 10 consecutive bases within chr9:137,088,994-137,089,004 gives the same sequence; the c. name uses the placement nearest the transcript's 3' end. VCF-style (leftmost placement, unchanged base first): chr9-137088993-GATTTCGTCAC-G. GRCh37 (hg19) VCF-style: chr9-139983445-GATTTCGTCAC-G.
Other names: short protein forms I152fs.
Identifiers: ClinVar variation 5007425 (VCV005007425.2).

ClinVar aggregate classification (germline): Likely pathogenic (1 of 4 stars; one submission).

Conditions:
Rafiq syndrome (RAFQS). Identifiers: Orphanet 88616, MedGen C3280127, MONDO:0013624, OMIM 614202.

Submission:

Juno Genomics, Hangzhou Juno Genomics, Inc
Classification: Likely pathogenic for Rafiq syndrome. Review status: criteria provided, single submitter. Criteria: ACMG Guidelines, 2015. Collection method: clinical testing. Allele origin: germline.
Comment: Null variant in a gene where loss of function (LOF) is a known mechanism of disease.;Absent from controls (or at extremely low frequency if recessive) in Genome Aggregation Database.